The following is an entry in ClinVar:

ClinVar aggregate classification (germline): Pathogenic (0 of 4 stars; one submission).

Conditions:
Hepatocellular carcinoma (HCC). Also called: Primary carcinoma of liver; HEPATOMA; LIVER CELL CARCINOMA. Identifiers: Orphanet 88673, MedGen C2239176, MONDO:0007256, OMIM 114550, HP:0001402.

Submission:

Metabolic Liver Diseases Lab, Fondazione IRCCS Ca Granda Policlinico, University of Milan
Classification: Pathogenic for Hepatocellular carcinoma. Last evaluated: 2016-06-01. Review status: no assertion criteria provided. Collection method: case-control. Allele origin: germline. Affected: yes. Observed: 1 variant allele.
Comment: likely loss-of-function, unstable protein in vitro, cosegregate w/ liver and lung disease in family

Literature cited by the submitters: PubMed 28677271; PubMed 23000435.

NM_198253.3(TERT):c.2004G>C (p.Glu668Asp)

Gene: TERT (telomerase reverse transcriptase; minus strand). Cytogenetic location: 5p15.33.
Variant type: single nucleotide variant.
Coding change: c.2004G>C on transcript NM_198253.3 (MANE Select); coding-DNA position 2004, G replaced by C.
Protein change: p.Glu668Asp; replaces glutamic acid 668 with aspartic acid.
Molecular consequence: missense variant. On other transcripts: non-coding transcript variant (2).
Genome position (GRCh38, 1-based): chr5:1,279,417, C>G on the plus strand (G>C on the coding strand, the complement: TERT is on the minus strand). VCF-style: chr5-1279417-C-G. GRCh37 (hg19) VCF-style: chr5-1279532-C-G.
Other names: c.2004G>C, p.Glu668Asp (NM_001193376.3); short protein forms E668D.
Identifiers: ClinVar variation 268081 (VCV000268081.2), dbSNP rs1554040964, ClinGen allele CA359080712.